The following is an entry in ClinVar:

ClinVar aggregate classification (germline): Uncertain significance (1 of 4 stars; one submission).

Conditions:
Colorectal cancer, hereditary nonpolyposis, type 7. Identifiers: Orphanet 144, MedGen C1858380, MONDO:0013725, OMIM 614385.

Submission:

Labcorp Genetics (formerly Invitae), Labcorp
Classification: Uncertain significance for Colorectal cancer, hereditary nonpolyposis, type 7. Last evaluated: 2023-01-15. Review status: criteria provided, single submitter. Criteria: Invitae Variant Classification Sherloc (09022015). Collection method: clinical testing. Allele origin: unknown.
Comment: In summary, the available evidence is currently insufficient to determine the role of this variant in disease. Therefore, it has been classified as a Variant of Uncertain Significance. Experimental studies and prediction algorithms are not available or were not evaluated, and the functional significance of this variant is currently unknown. This variant has not been reported in the literature in individuals affected with MLH3-related conditions. This variant is a gross deletion of the genomic region encompassing exon(s) 3-4 of the MLH3 gene. This deletion is out-of-frame, and is expected to create a premature translational stop signal and result in an absent or disrupted protein product. However, the current clinical and genetic evidence is not sufficient to establish whether loss-of-function variants in MLH3 cause disease.

NC_000014.8:g.(?_75508298)_(75509200_?)del

Gene: MLH3 (mutL homolog 3; minus strand). Cytogenetic location: 14q24.3.
Variant type: Deletion.
Identifiers: ClinVar variation 3244053 (VCV003244053.1).